The following is an entry in ClinVar:

ClinVar aggregate classification (germline): Uncertain significance (1 of 4 stars; one submission).

gnomAD v4.1: 2 of 1,492,614 alleles (0.00013%); highest among the groups gnomAD compares: Admixed American, 0.0023%; no homozygotes.

Submission:

Labcorp Genetics (formerly Invitae), Labcorp
Classification: Uncertain significance. Last evaluated: 2024-06-30. Review status: criteria provided, single submitter. Criteria: Invitae Variant Classification Sherloc (09022015). Collection method: clinical testing. Allele origin: germline.
Comment: This sequence change replaces proline, which is neutral and non-polar, with leucine, which is neutral and non-polar, at codon 187 of the TCF3 protein (p.Pro187Leu). The frequency data for this variant in the population databases is considered unreliable, as metrics indicate poor data quality at this position in the gnomAD database. This variant has not been reported in the literature in individuals affected with TCF3-related conditions. Advanced modeling of protein sequence and biophysical properties (such as structural, functional, and spatial information, amino acid conservation, physicochemical variation, residue mobility, and thermodynamic stability) performed at Invitae indicates that this missense variant is not expected to disrupt TCF3 protein function with a negative predictive value of 80%. In summary, the available evidence is currently insufficient to determine the role of this variant in disease. Therefore, it has been classified as a Variant of Uncertain Significance.

NM_003200.5(TCF3):c.560C>T (p.Pro187Leu)

Gene: TCF3 (transcription factor 3; minus strand). Cytogenetic location: 19p13.3.
Variant type: single nucleotide variant.
Coding change: c.560C>T on transcript NM_003200.5 (MANE Select); coding-DNA position 560, C replaced by T.
Protein change: p.Pro187Leu; replaces proline 187 with leucine.
Molecular consequence: missense variant.
Genome position (GRCh38, 1-based): chr19:1,622,405, G>A on the plus strand (C>T on the coding strand, the complement: TCF3 is on the minus strand). VCF-style: chr19-1622405-G-A. GRCh37 (hg19) VCF-style: chr19-1622404-G-A.
Other names: c.560C>T, p.Pro187Leu (NM_001136139.4, NM_001351778.2, NM_001351779.2); short protein forms P187L.
Identifiers: ClinVar variation 3627125 (VCV003627125.2).